The following is an entry in ClinVar:

NM_015981.4(CAMK2A):c.1142C>T (p.Thr381Met)

Gene: CAMK2A (calcium/calmodulin dependent protein kinase II alpha; minus strand). Cytogenetic location: 5q32.
Variant type: single nucleotide variant.
Coding change: c.1142C>T on transcript NM_015981.4 (MANE Select); coding-DNA position 1142, C replaced by T.
Protein change: p.Thr381Met; replaces threonine 381 with methionine.
Molecular consequence: missense variant.
Genome position (GRCh38, 1-based): chr5:150,231,305, G>A on the plus strand (C>T on the coding strand, the complement: CAMK2A is on the minus strand). VCF-style: chr5-150231305-G-A. GRCh37 (hg19) VCF-style: chr5-149610868-G-A.
Other names: c.1142C>T, p.Thr381Met (NM_001363989.1); c.1109C>T, p.Thr370Met (NM_001363990.1, NM_001369025.2, NM_171825.3); short protein forms T370M, T381M.
Identifiers: ClinVar variation 3381693 (VCV003381693.1).

ClinVar aggregate classification (germline): Uncertain significance (1 of 4 stars; one submission).

gnomAD v4.1: 1 of 1,576,480 alleles (0.000063%); no homozygotes.

Submission:

GeneDx
Classification: Uncertain significance. Last evaluated: 2024-05-21. Review status: criteria provided, single submitter. Criteria: GeneDx Variant Classification Process June 2021. Collection method: clinical testing. Allele origin: germline. Affected: yes.
Comment: Not observed at significant frequency in large population cohorts (gnomAD); In silico analysis supports that this missense variant has a deleterious effect on protein structure/function; Has not been previously published as pathogenic or benign to our knowledge